The following is an entry in ClinVar:

ClinVar aggregate classification (germline): Uncertain significance (1 of 4 stars; one submission).

Conditions:
Aicardi-Goutieres syndrome 7 (AGS7). Identifiers: Orphanet 51, MedGen C3888244, MONDO:0014367, OMIM 615846.
Singleton-Merten syndrome 1 (SGMRT1). Also called: Widened medullary cavities of bone, aortic calcification, abnormal dentition, and muscular weakness; Syndrome of widened medullary cavities of the metacarpals and phalanges, aortic calcification and abnormal dentition. Identifiers: Orphanet 85191, MedGen C4225427, MONDO:0024535, OMIM 182250.

gnomAD v4.1: 5 of 1,601,830 alleles (0.00031%); highest among the groups gnomAD compares: Non-Finnish European, 0.00043%; no homozygotes.

Submission:

Labcorp Genetics (formerly Invitae), Labcorp
Classification: Uncertain significance for Aicardi-Goutieres syndrome 7; Singleton-Merten syndrome 1. Last evaluated: 2025-09-15. Review status: criteria provided, single submitter. Criteria: Invitae Variant Classification Sherloc (09022015). Collection method: clinical testing. Allele origin: germline.
Comment: This sequence change replaces glutamic acid, which is acidic and polar, with lysine, which is basic and polar, at codon 592 of the IFIH1 protein (p.Glu592Lys). This variant is present in population databases (no rsID available, gnomAD 0.0009%). This variant has not been reported in the literature in individuals affected with IFIH1-related conditions. ClinVar contains an entry for this variant (Variation ID: 2199238). Invitae Evidence Modeling of protein sequence and biophysical properties (such as structural, functional, and spatial information, amino acid conservation, physicochemical variation, residue mobility, and thermodynamic stability) has been performed for this missense variant. However, the output from this modeling did not meet the statistical confidence thresholds required to predict the impact of this variant on IFIH1 protein function. In summary, the available evidence is currently insufficient to determine the role of this variant in disease. Therefore, it has been classified as a Variant of Uncertain Significance.

NM_022168.4(IFIH1):c.1774G>A (p.Glu592Lys)

Gene: IFIH1 (interferon induced with helicase C domain 1; minus strand). Cytogenetic location: 2q24.2.
Variant type: single nucleotide variant.
Coding change: c.1774G>A on transcript NM_022168.4 (MANE Select); coding-DNA position 1774, G replaced by A.
Protein change: p.Glu592Lys; replaces glutamic acid 592 with lysine.
Molecular consequence: missense variant.
Genome position (GRCh38, 1-based): chr2:162,277,685, C>T on the plus strand (G>A on the coding strand, the complement: IFIH1 is on the minus strand). VCF-style: chr2-162277685-C-T. GRCh37 (hg19) VCF-style: chr2-163134195-C-T.
Other names: short protein forms E592K.
Identifiers: ClinVar variation 2199238 (VCV002199238.4), dbSNP rs1025854546, ClinGen allele CA348999878.